The following is an entry in ClinVar:

NM_002095.6(GTF2E2):c.367-18A>G

Gene: GTF2E2 (general transcription factor IIE subunit 2; minus strand). Cytogenetic location: 8p12.
Variant type: single nucleotide variant.
Coding change: c.367-18A>G on transcript NM_002095.6 (MANE Select); 18 bases into the intron before coding-DNA position 367, A replaced by G.
Molecular consequence: intron variant.
Genome position (GRCh38, 1-based): chr8:30,612,499, T>C on the plus strand (A>G on the coding strand, the complement: GTF2E2 is on the minus strand). VCF-style: chr8-30612499-T-C. GRCh37 (hg19) VCF-style: chr8-30470016-T-C.
Other names: c.367-18A>G (NM_001348353.1).
Identifiers: ClinVar variation 1901946 (VCV001901946.3), dbSNP rs375145263, ClinGen allele CA4700982.

ClinVar aggregate classification (germline): Uncertain significance (1 of 4 stars; one submission).

Allele frequency attached by ClinVar (database versions not stated): gnomAD 0.00001; ExAC 0.00002; gnomAD exomes 0.00002; TOPMed 0.00002; ESP Exome Variant Server 0.00008.
gnomAD v4.1: 32 of 1,416,556 alleles (0.0023%); highest among the groups gnomAD compares: East Asian, 0.0046%; no homozygotes.

Submission:

Labcorp Genetics (formerly Invitae), Labcorp
Classification: Uncertain significance. Last evaluated: 2022-02-11. Review status: criteria provided, single submitter. Criteria: Invitae Variant Classification Sherloc (09022015). Collection method: clinical testing. Allele origin: germline.
Comment: Algorithms developed to predict the effect of sequence changes on RNA splicing suggest that this variant may create or strengthen a splice site. This variant has not been reported in the literature in individuals affected with GTF2E2-related conditions. This variant is present in population databases (rs375145263, gnomAD 0.004%). This sequence change falls in intron 4 of the GTF2E2 gene. It does not directly change the encoded amino acid sequence of the GTF2E2 protein. In summary, the available evidence is currently insufficient to determine the role of this variant in disease. Therefore, it has been classified as a Variant of Uncertain Significance.